The following is an entry in ClinVar:

ClinVar aggregate classification (germline): Uncertain significance (1 of 4 stars; one submission).

Conditions:
Pitt-Hopkins-like syndrome 2 (PTHSL2). Identifiers: Orphanet 221150, Orphanet 600663, MedGen C3280479, MONDO:0013690, OMIM 614325.

Submission:

Labcorp Genetics (formerly Invitae), Labcorp
Classification: Uncertain significance for Pitt-Hopkins-like syndrome 2. Last evaluated: 2022-11-01. Review status: criteria provided, single submitter. Criteria: Invitae Variant Classification Sherloc (09022015). Collection method: clinical testing. Allele origin: germline.
Comment: In summary, the available evidence is currently insufficient to determine the role of this variant in disease. Therefore, it has been classified as a Variant of Uncertain Significance. Advanced modeling of protein sequence and biophysical properties (such as structural, functional, and spatial information, amino acid conservation, physicochemical variation, residue mobility, and thermodynamic stability) performed at Invitae indicates that this missense variant is not expected to disrupt NRXN1 protein function. ClinVar contains an entry for this variant (Variation ID: 1389950). This variant has not been reported in the literature in individuals affected with NRXN1-related conditions. This variant is not present in population databases (gnomAD no frequency). This sequence change replaces serine, which is neutral and polar, with proline, which is neutral and non-polar, at codon 1534 of the NRXN1 protein (p.Ser1534Pro).

NM_001330078.2(NRXN1):c.4480T>C (p.Ser1494Pro)

Gene: NRXN1 (neurexin 1; minus strand). Cytogenetic location: 2p16.3.
Variant type: single nucleotide variant.
Coding change: c.4480T>C on transcript NM_001330078.2 (MANE Select); coding-DNA position 4480, T replaced by C.
Protein change: p.Ser1494Pro; replaces serine 1494 with proline.
Molecular consequence: missense variant.
Genome position (GRCh38, 1-based): chr2:49,921,988, A>G on the plus strand (T>C on the coding strand, the complement: NRXN1 is on the minus strand). VCF-style: chr2-49921988-A-G. GRCh37 (hg19) VCF-style: chr2-50149126-A-G.
Other names: c.4600T>C, p.Ser1534Pro (NM_001135659.3); c.385T>C, p.Ser129Pro (NM_001320156.4); c.376T>C, p.Ser126Pro (NM_001320157.4); c.4456T>C, p.Ser1486Pro (NM_001330077.2); c.4447T>C, p.Ser1483Pro (NM_001330082.2); c.4315T>C, p.Ser1439Pro (NM_001330083.2); c.4414T>C, p.Ser1472Pro (NM_001330084.2); c.4453T>C, p.Ser1485Pro (NM_001330085.2); and 12 more; short protein forms S1485P, S1487P, S1493P, S129P, S1439P, S1486P, S1534P, S456P.
Identifiers: ClinVar variation 1389950 (VCV001389950.6), dbSNP rs2103994881, ClinGen allele CA346818254.